The following is an entry in ClinVar:

ClinVar aggregate classification (germline): Uncertain significance (1 of 4 stars; one submission).

Conditions:
Methylmalonic aciduria and homocystinuria type cblF. Also called: COBALAMIN F DISEASE; COBALAMIN, DEFECT IN LYSOSOMAL RELEASE OF; METHYLMALONIC ACIDEMIA AND HOMOCYSTINURIA, cblF TYPE; METHYLMALONIC ACIDURIA DUE TO VITAMIN B12-RELEASE DEFECT; VITAMIN B12 LYSOSOMAL RELEASE DEFECT; VITAMIN B12 STORAGE DISEASE. Identifiers: Orphanet 79284, MedGen C1848578, MONDO:0010183, OMIM 277380.

Submission:

Labcorp Genetics (formerly Invitae), Labcorp
Classification: Uncertain significance for Methylmalonic aciduria and homocystinuria type cblF. Last evaluated: 2022-01-11. Review status: criteria provided, single submitter. Criteria: Invitae Variant Classification Sherloc (09022015). Collection method: clinical testing. Allele origin: germline.
Comment: This variant has not been reported in the literature in individuals affected with LMBRD1-related conditions. This variant is not present in population databases (gnomAD no frequency). This sequence change replaces glycine, which is neutral and non-polar, with cysteine, which is neutral and slightly polar, at codon 226 of the LMBRD1 protein (p.Gly226Cys). Algorithms developed to predict the effect of missense changes on protein structure and function (SIFT, PolyPhen-2, Align-GVGD) all suggest that this variant is likely to be disruptive. In summary, the available evidence is currently insufficient to determine the role of this variant in disease. Therefore, it has been classified as a Variant of Uncertain Significance.

NM_018368.4(LMBRD1):c.676G>T (p.Gly226Cys)

Gene: LMBRD1 (LMBR1 domain containing 1; minus strand). Cytogenetic location: 6q13.
Variant type: single nucleotide variant.
Coding change: c.676G>T on transcript NM_018368.4 (MANE Select); coding-DNA position 676, G replaced by T.
Protein change: p.Gly226Cys; replaces glycine 226 with cysteine.
Molecular consequence: missense variant.
Genome position (GRCh38, 1-based): chr6:69,719,042, C>A on the plus strand (G>T on the coding strand, the complement: LMBRD1 is on the minus strand). VCF-style: chr6-69719042-C-A. GRCh37 (hg19) VCF-style: chr6-70428934-C-A.
Other names: c.457G>T, p.Gly153Cys (NM_001363722.2, NM_001367271.1, NM_001367272.1); short protein forms G153C, G226C.
Identifiers: ClinVar variation 1478226 (VCV001478226.6), dbSNP rs2149856461, ClinGen allele CA364669036.